The following is an entry in ClinVar:

ClinVar aggregate classification (germline): Uncertain significance (1 of 4 stars; one submission).

Conditions:
Cardiovascular phenotype. Identifiers: MedGen CN230736.
Hereditary cancer-predisposing syndrome. Also called: Hereditary Cancer Syndrome; Neoplastic Syndromes, Hereditary; Tumor predisposition; Hereditary neoplastic syndrome. Identifiers: Orphanet 140162, MedGen C0027672, MeSH D009386, MONDO:0015356.

Submission:

Ambry Genetics
Classification: Uncertain significance for Cardiovascular phenotype; Hereditary cancer-predisposing syndrome. Last evaluated: 2021-05-07. Review status: criteria provided, single submitter. Criteria: Ambry Variant Classification Scheme 2023. Collection method: clinical testing. Allele origin: germline.
Comment: The p.V182G variant (also known as c.545T>G), located in coding exon 6 of the LZTR1 gene, results from a T to G substitution at nucleotide position 545. The valine at codon 182 is replaced by glycine, an amino acid with dissimilar properties. This amino acid position is highly conserved in available vertebrate species. In addition, this alteration is predicted to be deleterious by in silico analysis. Since supporting evidence is limited at this time, the clinical significance of this alteration remains unclear.

NM_006767.4(LZTR1):c.545T>G (p.Val182Gly)

Gene: LZTR1 (leucine zipper like post translational regulator 1; plus strand). Cytogenetic location: 22q11.21.
Variant type: single nucleotide variant.
Coding change: c.545T>G on transcript NM_006767.4 (MANE Select); coding-DNA position 545, T replaced by G.
Protein change: p.Val182Gly; replaces valine 182 with glycine.
Molecular consequence: missense variant.
Genome position (GRCh38, 1-based): chr22:20,988,824, T>G. VCF-style: chr22-20988824-T-G. GRCh37 (hg19) VCF-style: chr22-21343113-T-G.
Other names: short protein forms V182G.
Identifiers: ClinVar variation 1747663 (VCV001747663.2), dbSNP rs2518614118, ClinGen allele CA410780145.